The following is an entry in ClinVar:

ClinVar aggregate classification (germline): Pathogenic/Likely pathogenic. Review status: criteria provided, multiple submitters, no conflicts (2 of 4 stars). 2 submissions from 2 submitters: Pathogenic (1); Likely pathogenic (1). Last evaluated 2025-09-22.

Conditions:
Hereditary cancer-predisposing syndrome. Also called: Tumor predisposition; Hereditary Cancer Syndrome; Hereditary neoplastic syndrome; Neoplastic Syndromes, Hereditary. Identifiers: Orphanet 140162, MedGen C0027672, MeSH D009386, MONDO:0015356.

Submissions (3):

Ambry Genetics
Classification: Pathogenic for Hereditary cancer-predisposing syndrome. Last evaluated: 2025-09-22. Review status: criteria provided, single submitter. Criteria: Ambry Variant Classification Scheme 2023. Collection method: clinical testing. Allele origin: germline.
Comment: The c.5152+2T>C intronic pathogenic mutation results from a T to C substitution two nucleotides after coding exon 16 in the BRCA1 gene. One functional study found that this nucleotide substitution is deleterious in a high throughput genome editing haploid cell survival assay (Findlay GM et al. Nature, 2018 10;562:217-222). In silico splice site analysis predicts that this alteration will weaken the native splice donor site. RNA studies have demonstrated that this alteration results in abnormal splicing in the set of samples tested (Ambry internal data). This variant is considered to be rare based on population cohorts in the Genome Aggregation Database (gnomAD). As such, this alteration is classified as a disease-causing mutation.

Color Diagnostics, LLC DBA Color Health
Classification: Likely pathogenic for Hereditary cancer-predisposing syndrome. Last evaluated: 2022-01-28. Review status: criteria provided, single submitter. Criteria: ACMG Guidelines, 2015. Collection method: clinical testing. Allele origin: germline.
Comment: This variant causes a T to C nucleotide substitution at the +2 position of intron 17 of the BRCA1 gene. Splice site prediction tools predict that this variant may have a significant impact on RNA splicing. This variant has been reported to be loss-of-function in a haploid cell proliferation assay in human HAP1 cells (PMID: 30209399). This variant has been reported in individuals affected with breast and/or ovarian cancer from high-risk hereditary breast and ovarian cancer families (PMID: 32380732). This variant has not been identified in the general population by the Genome Aggregation Database (gnomAD). This variant creates an alternative donor site beginning with a GC dinucleotide. Some GC variant donor sites have been shown to generate variable levels of wild-type transcript (PMID: 31131953). Hence, this variant could be less penetrant than a conventional splice donor site loss variant. Loss of BRCA1 function is a known mechanism of disease. Based on the available evidence, this variant is classified as Likely Pathogenic.

Brotman Baty Institute, University of Washington
No classification provided (evidence only). Condition: Breast-ovarian cancer, familial 1. Review status: no classification provided. Collection method: in vitro. Allele origin: not applicable. Functional consequence: functionally_abnormal. Not counted in ClinVar's aggregate classification.
ClinVar note: "not provided" was previously submitted as the classification for the variant. However, the classification appeared to be based only on an observation of functional data so it was converted to no classification on 2025-07-30.

Literature cited by the submitters: PubMed 30199306 (cited by Ambry Genetics); PubMed 30209399 (cited by Ambry Genetics and Color Diagnostics, LLC DBA Color Health); PubMed 30254663 (cited by Ambry Genetics); PubMed 30825404 (cited by Ambry Genetics); PubMed 31209999 (cited by Ambry Genetics); PubMed 31131953 (cited by Color Diagnostics, LLC DBA Color Health); PubMed 32380732 (cited by Color Diagnostics, LLC DBA Color Health).

NM_007294.4(BRCA1):c.5152+2T>C

Gene: BRCA1 (BRCA1 DNA repair associated; minus strand). Cytogenetic location: 17q21.31.
Variant type: single nucleotide variant.
Coding change: c.5152+2T>C on transcript NM_007294.4 (MANE Select); the canonical splice donor site of the intron after coding-DNA position 5152, T replaced by C.
Molecular consequence: splice donor variant. On other transcripts: intron variant (2).
Genome position (GRCh38, 1-based): chr17:43,063,872, A>G on the plus strand (T>C on the coding strand, the complement: BRCA1 is on the minus strand). VCF-style: chr17-43063872-A-G. GRCh37 (hg19) VCF-style: chr17-41215889-A-G.
Other names: c.4885+2T>C (NM_001407930.1, NM_001407933.1, NM_001407927.1 and 4 more transcripts); c.5005+2T>C (NM_001407843.1, NM_001407847.1, NM_001407846.1 and 12 more transcripts); c.1702+2T>C (NM_001408456.1, NM_001408455.1, NM_001408452.1 and 3 more transcripts); c.5008+2T>C (NM_001407733.1, NM_001407751.1, NM_001407740.1 and 21 more transcripts); c.5011+2T>C (NM_001407942.1, NM_001407694.1, NM_001407696.1 and 13 more transcripts); c.1699+2T>C (NM_001408465.1, NM_001408463.1, NM_001408466.1 and 7 more transcripts); c.1630+2T>C (NM_001408482.1, NM_001408490.1, NM_001408489.1 and 5 more transcripts); c.4888+2T>C (NM_001407920.1, NM_001407923.1, NM_001407921.1 and 4 more transcripts); and 73 more.
Identifiers: ClinVar variation 491096 (VCV000491096.12), dbSNP rs886040914, ClinGen allele CA10591239.
Genomic context (GRCh38, chr17:43,063,872, plus strand): 5'-AGGTGTAAAAATGCAATTCTGAGGTGTTAAAGGGAGGAGGGGAGAAATAGTATTATACTT[A>G]CAGAAATAGCTAACTACCCATTTTCCTCCCGCAATTCCTAGAAAATATTTCAGTGTCCGT-3'